The following is an entry in ClinVar:

NM_001206927.2(DNAH8):c.5490C>A (p.Asp1830Glu)

Gene: DNAH8 (dynein axonemal heavy chain 8; plus strand). Cytogenetic location: 6p21.2.
Variant type: single nucleotide variant.
Coding change: c.5490C>A on transcript NM_001206927.2 (MANE Select); coding-DNA position 5490, C replaced by A.
Protein change: p.Asp1830Glu; replaces aspartic acid 1830 with glutamic acid.
Molecular consequence: missense variant.
Genome position (GRCh38, 1-based): chr6:38,852,717, C>A. VCF-style: chr6-38852717-C-A. GRCh37 (hg19) VCF-style: chr6-38820493-C-A.
Other names: p.Asp1830Glu; c.4839C>A, p.Asp1613Glu (NM_001371.4); short protein forms D1830E, D1613E.
Identifiers: ClinVar variation 238652 (VCV000238652.25), dbSNP rs45519938, ClinGen allele CA3789394.

ClinVar aggregate classification (germline): Benign. Review status: criteria provided, multiple submitters, no conflicts (2 of 4 stars). 3 submissions from 3 submitters: Benign (3). Last evaluated 2026-02-02.

Conditions:
Primary ciliary dyskinesia. Also called: Ciliary dyskinesia. Identifiers: Orphanet 244, MedGen C0008780, MONDO:0016575, HP:0012265.

Allele frequency attached by ClinVar (database versions not stated): ESP Exome Variant Server 0.00892; gnomAD exomes 0.01014 and 0.01295; gnomAD 0.01028 and 0.01062; ExAC 0.01083; 1000 Genomes Project 30x 0.00344; 1000 Genomes Project 0.00399; TOPMed 0.00867.
gnomAD v4.1: 20,367 of 1,613,428 alleles (1.3%); highest among the groups gnomAD compares: Non-Finnish European, 1.5%; 182 homozygotes.

Submissions (3):

Labcorp Genetics (formerly Invitae), Labcorp
Classification: Benign for Primary ciliary dyskinesia. Last evaluated: 2026-02-02. Review status: criteria provided, single submitter. Criteria: Invitae Variant Classification Sherloc (09022015). Collection method: clinical testing. Allele origin: germline.

CeGaT Center for Human Genetics Tuebingen
Classification: Benign. Last evaluated: 2026-01-01. Review status: criteria provided, single submitter. Criteria: CeGaT Center For Human Genetics Tuebingen Variant Classification Criteria Version 2. Collection method: clinical testing. Allele origin: germline. Affected: yes. Observed: 2 variant alleles.
Comment: DNAH8: BS1, BS2

Mayo Clinic Laboratories, Mayo Clinic
Classification: Benign. Last evaluated: 2023-10-11. Review status: criteria provided, single submitter. Criteria: ACMG Guidelines, 2015. Collection method: clinical testing. Allele origin: germline. Observed: 7 variant alleles.
Comment: BS1, BS2